The following is an entry in ClinVar:

NM_002474.3(MYH11):c.3208C>T (p.Gln1070Ter)

Gene: MYH11 (myosin heavy chain 11; minus strand). Cytogenetic location: 16p13.11.
Variant type: single nucleotide variant.
Coding change: c.3208C>T on transcript NM_002474.3 (MANE Select); coding-DNA position 3208, C replaced by T.
Protein change: p.Gln1070Ter; replaces glutamine 1070 with a stop codon.
Molecular consequence: nonsense.
Genome position (GRCh38, 1-based): chr16:15,737,534, G>A on the plus strand (C>T on the coding strand, the complement: MYH11 is on the minus strand). VCF-style: chr16-15737534-G-A. GRCh37 (hg19) VCF-style: chr16-15831391-G-A.
Other names: c.3229C>T, p.Gln1077Ter (NM_001040113.2, NM_001040114.2); c.3208C>T, p.Gln1070Ter (NM_022844.3); short protein forms Q1077*, Q1070*.
Identifiers: ClinVar variation 928045 (VCV000928045.3), dbSNP rs2041155830, ClinGen allele CA394863077.

ClinVar aggregate classification (germline): Uncertain significance (1 of 4 stars; one submission).

Conditions:
Familial thoracic aortic aneurysm and aortic dissection (TAAD). Also called: Thoracic aortic aneurysms and dissections. Identifiers: Orphanet 91387, MedGen C4707243, MONDO:0019625.

Submission:

Color Diagnostics, LLC DBA Color Health
Classification: Uncertain significance for Familial thoracic aortic aneurysm and aortic dissection. Last evaluated: 2019-05-28. Review status: criteria provided, single submitter. Criteria: ACMG Guidelines, 2015. Collection method: clinical testing. Allele origin: germline.
Comment: This variant changes 1 nucleotide in exon 26 of the MYH11 gene, creating a premature translation stop signal. This variant is expected to result in an absent or non-functional protein product. To our knowledge, functional assays have not been performed for this variant nor has this variant been reported in individuals affected with cardiovascular disorders in the literature. This variant has not been identified in the general population by the Genome Aggregation Database (gnomAD). Clinical significance of loss-of-function truncation variants in the MYH11 gene is not clearly established. Available evidence is insufficient to determine the role of this variant in disease conclusively. Therefore, this variant is classified as a Variant of Uncertain Significance.